The following is an entry in ClinVar:

ClinVar aggregate classification (germline): Uncertain significance (1 of 4 stars; one submission).

Submission:

Labcorp Genetics (formerly Invitae), Labcorp
Classification: Uncertain significance. Last evaluated: 2021-09-18. Review status: criteria provided, single submitter. Criteria: Invitae Variant Classification Sherloc (09022015). Collection method: clinical testing. Allele origin: germline.
Comment: This variant has not been reported in the literature in individuals affected with ADAMTS18-related conditions. This variant is not present in population databases (ExAC no frequency). This sequence change replaces serine with leucine at codon 285 of the ADAMTS18 protein (p.Ser285Leu). The serine residue is highly conserved and there is a large physicochemical difference between serine and leucine. In summary, the available evidence is currently insufficient to determine the role of this variant in disease. Therefore, it has been classified as a Variant of Uncertain Significance. Algorithms developed to predict the effect of missense changes on protein structure and function are either unavailable or do not agree on the potential impact of this missense change (SIFT: "Not Available"; PolyPhen-2: "Probably Damaging"; Align-GVGD: "Not Available").

NM_199355.4(ADAMTS18):c.854C>T (p.Ser285Leu)

Gene: ADAMTS18 (ADAM metallopeptidase with thrombospondin type 1 motif 18; minus strand). Cytogenetic location: 16q23.1.
Variant type: single nucleotide variant.
Coding change: c.854C>T on transcript NM_199355.4 (MANE Select); coding-DNA position 854, C replaced by T.
Protein change: p.Ser285Leu; replaces serine 285 with leucine.
Molecular consequence: missense variant.
Genome position (GRCh38, 1-based): chr16:77,364,306, G>A on the plus strand (C>T on the coding strand, the complement: ADAMTS18 is on the minus strand). VCF-style: chr16-77364306-G-A. GRCh37 (hg19) VCF-style: chr16-77398203-G-A.
Other names: c.338C>T, p.Ser113Leu (NM_001326358.2); short protein forms S113L, S285L.
Identifiers: ClinVar variation 856354 (VCV000856354.7), dbSNP rs1352060106, ClinGen allele CA396836845.